The following is an entry in ClinVar:

NM_001080826.3(PRAG1):c.2817C>T (p.His939=)

Gene: PRAG1 (PEAK1 related, kinase-activating pseudokinase 1). Cytogenetic location: 8p23.1.
Variant type: single nucleotide variant.
Coding change: c.2817C>T on transcript NM_001080826.3 (MANE Select); coding-DNA position 2817, C replaced by T.
Protein change: p.His939=; no amino-acid change (histidine 939 retained).
Molecular consequence: synonymous variant. On other transcripts: non-coding transcript variant (1).
Genome position (GRCh38, 1-based): chr8:8,327,965, G>A on the plus strand (C>T on the coding strand, the complement: PRAG1 is on the minus strand). VCF-style: chr8-8327965-G-A. GRCh37 (hg19) VCF-style: chr8-8185481-G-A.
Other names: c.2817C>T, p.His939= (NM_001369759.1).
Identifiers: ClinVar variation 2658368 (VCV002658368.24), dbSNP rs142121457, ClinGen allele CA4617436.

ClinVar aggregate classification (germline): Likely benign (1 of 4 stars; one submission).

Allele frequency attached by ClinVar (database versions not stated): 1000 Genomes Project 0.00100; 1000 Genomes Project 30x 0.00109; ESP Exome Variant Server 0.00145; gnomAD 0.00150; gnomAD exomes 0.00150; ExAC 0.00167.
gnomAD v4.1: 2,414 of 1,606,568 alleles (0.15%); highest among the groups gnomAD compares: Admixed American, 0.2%; 3 homozygotes.

Submission:

CeGaT Center for Human Genetics Tuebingen
Classification: Likely benign. Last evaluated: 2022-03-01. Review status: criteria provided, single submitter. Criteria: CeGaT Center For Human Genetics Tuebingen Variant Classification Criteria Version 2. Collection method: clinical testing. Allele origin: germline. Affected: yes. Observed: 1 variant allele.
Comment: PRAG1: BP4, BP7